The following is an entry in ClinVar:

NM_001378454.1(ALMS1):c.11414G>T (p.Arg3805Leu)

Gene: ALMS1 (ALMS1 centrosome and basal body associated protein; plus strand). Cytogenetic location: 2p13.1.
Variant type: single nucleotide variant.
Coding change: c.11414G>T on transcript NM_001378454.1 (MANE Select); coding-DNA position 11414, G replaced by T.
Protein change: p.Arg3805Leu; replaces arginine 3805 with leucine.
Molecular consequence: missense variant.
Genome position (GRCh38, 1-based): chr2:73,573,291, G>T. VCF-style: chr2-73573291-G-T. GRCh37 (hg19) VCF-style: chr2-73800418-G-T.
Other names: c.11417G>T, p.Arg3806Leu (NM_015120.4); short protein forms R3805L, R3806L.
Identifiers: ClinVar variation 1731370 (VCV001731370.3), dbSNP rs201646938, ClinGen allele CA347289652.

ClinVar aggregate classification (germline): Uncertain significance. Review status: criteria provided, multiple submitters, no conflicts (2 of 4 stars). 2 submissions from 2 submitters: Uncertain significance (2). Last evaluated 2024-04-30.

Conditions:
Cardiovascular phenotype. Identifiers: MedGen CN230736.
Alstrom syndrome (ALMS). Identifiers: Orphanet 64, MedGen C0268425, MONDO:0008763, OMIM 203800.

gnomAD v4.1: 2 of 1,613,916 alleles (0.00012%); highest among the groups gnomAD compares: Non-Finnish European, 0.00017%; no homozygotes.

Submissions (2):

Labcorp Genetics (formerly Invitae), Labcorp
Classification: Uncertain significance for Alstrom syndrome. Last evaluated: 2024-04-30. Review status: criteria provided, single submitter. Criteria: Invitae Variant Classification Sherloc (09022015). Collection method: clinical testing. Allele origin: germline.
Comment: This sequence change replaces arginine, which is basic and polar, with leucine, which is neutral and non-polar, at codon 3806 of the ALMS1 protein (p.Arg3806Leu). This variant is not present in population databases (gnomAD no frequency). This variant has not been reported in the literature in individuals affected with ALMS1-related conditions. ClinVar contains an entry for this variant (Variation ID: 1731370). Experimental studies and prediction algorithms are not available or were not evaluated, and the functional significance of this variant is currently unknown. In summary, the available evidence is currently insufficient to determine the role of this variant in disease. Therefore, it has been classified as a Variant of Uncertain Significance.

Ambry Genetics
Classification: Uncertain significance for Cardiovascular phenotype. Last evaluated: 2022-01-05. Review status: criteria provided, single submitter. Criteria: Ambry Variant Classification Scheme 2023. Collection method: clinical testing. Allele origin: germline.
Comment: The p.R3806L variant (also known as c.11417G>T), located in coding exon 16 of the ALMS1 gene, results from a G to T substitution at nucleotide position 11417. The arginine at codon 3806 is replaced by leucine, an amino acid with dissimilar properties. This amino acid position is not well conserved in available vertebrate species. In addition, the in silico prediction for this alteration is inconclusive. Since supporting evidence is limited at this time, the clinical significance of this alteration remains unclear.